The following is an entry in ClinVar:

ClinVar aggregate classification (germline): Likely benign. Review status: criteria provided, multiple submitters, no conflicts (2 of 4 stars). 2 submissions from 2 submitters: Likely benign (2). Last evaluated 2025-07-10.

Conditions:
Familial cancer of breast. Also called: hereditary breast carcinoma; BREAST CANCER, FAMILIAL; Hereditary breast cancer. Identifiers: Orphanet 227535, MedGen C0346153, MONDO:0016419, OMIM 114480. Disease mechanism: loss of function.

Submissions (2):

Labcorp Genetics (formerly Invitae), Labcorp
Classification: Likely benign for Familial cancer of breast. Last evaluated: 2025-07-10. Review status: criteria provided, single submitter. Criteria: Invitae Variant Classification Sherloc (09022015). Collection method: clinical testing. Allele origin: germline.

GeneDx
Classification: Likely benign. Last evaluated: 2017-03-15. Review status: criteria provided, single submitter. Criteria: GeneDx Variant Classification (06012015). Collection method: clinical testing. Allele origin: germline. Affected: yes.
Comment: This variant is considered likely benign or benign based on one or more of the following criteria: it is a conservative change, it occurs at a poorly conserved position in the protein, it is predicted to be benign by multiple in silico algorithms, and/or has population frequency not consistent with disease.

NM_024675.4(PALB2):c.48+6G>C

Gene: PALB2 (partner and localizer of BRCA2; minus strand). Cytogenetic location: 16p12.2.
Variant type: single nucleotide variant.
Coding change: c.48+6G>C on transcript NM_024675.4 (MANE Select); 6 bases into the intron after coding-DNA position 48, G replaced by C.
Molecular consequence: intron variant.
Genome position (GRCh38, 1-based): chr16:23,641,104, C>G on the plus strand (G>C on the coding strand, the complement: PALB2 is on the minus strand). VCF-style: chr16-23641104-C-G. GRCh37 (hg19) VCF-style: chr16-23652425-C-G.
Identifiers: ClinVar variation 508169 (VCV000508169.7), dbSNP rs1555462487, ClinGen allele CA658798572.